The following is an entry in ClinVar:

NM_001123385.2(BCOR):c.3533G>A (p.Ser1178Asn)

Gene: BCOR (BCL6 corepressor; minus strand). Cytogenetic location: Xp11.4.
Variant type: single nucleotide variant.
Coding change: c.3533G>A on transcript NM_001123385.2 (MANE Select); coding-DNA position 3533, G replaced by A.
Protein change: p.Ser1178Asn; replaces serine 1178 with asparagine.
Molecular consequence: missense variant. On other transcripts: intron variant (4).
Genome position (GRCh38, 1-based): chrX:40,063,922, C>T on the plus strand (G>A on the coding strand, the complement: BCOR is on the minus strand). VCF-style: chrX-40063922-C-T. GRCh37 (hg19) VCF-style: chrX-39923175-C-T.
Other names: c.3533G>A, p.Ser1178Asn (NM_001437510.1, NM_001437511.1); c.3479G>A, p.Ser1160Asn (NM_001438207.1); c.3449-72G>A (NM_001123384.2); c.3503-72G>A (NM_001123383.2, NM_001438208.1, NM_017745.6); short protein forms S1178N, S1160N.
Identifiers: ClinVar variation 599441 (VCV000599441.11), dbSNP rs375639152, ClinGen allele CA10386585.

ClinVar aggregate classification (germline): Conflicting classifications of pathogenicity. Review status: criteria provided, conflicting classifications (1 of 4 stars). 3 submissions from 3 submitters: Uncertain significance (1); Likely benign (1). 1 of the submissions does not count toward it. Last evaluated 2021-08-17.

Conditions:
BCOR-related disorder. Also called: BCOR-related condition; BCOR-related disorders.
Inborn genetic diseases. Identifiers: MedGen C0950123, MeSH D030342.

Allele frequency attached by ClinVar (database versions not stated): gnomAD exomes 0.00004 and 0.00018; 1000 Genomes Project 30x 0.00021; 1000 Genomes Project 0.00026; ExAC 0.00027; TOPMed 0.00065; gnomAD 0.00068 and 0.00076; ESP Exome Variant Server 0.00083.
gnomAD v4.1: 119 of 1,200,173 alleles (0.0099%); highest among the groups gnomAD compares: African/African-American, 0.18%; no homozygotes.

Submissions (3):

Ambry Genetics
Classification: Uncertain significance for Inborn genetic diseases. Last evaluated: 2021-08-17. Review status: criteria provided, single submitter. Criteria: Ambry Variant Classification Scheme 2023. Collection method: clinical testing. Allele origin: germline.

Institute for Genomic Medicine (IGM) Clinical Laboratory, Nationwide Children's Hospital
Classification: Likely benign. Last evaluated: 2017-06-21. Review status: criteria provided, single submitter. Criteria: ACMG Guidelines, 2015. Collection method: clinical testing. Allele origin: germline.
Comment: BS2, BP1, BP4, BP5; This alteration was seen in a healthy adult where full penetrance of the disorder is expected at an early age, is a missense alteration in a gene for which primarily truncating variants are known to cause disease, is predicted to be tolerated by multiple functional prediction tools, and was found in a case with an alternate molecular basis for disease.

PreventionGenetics, part of Exact Sciences
Classification: Likely benign for BCOR-related condition. Last evaluated: 2020-01-06. Review status: no assertion criteria provided. Collection method: clinical testing. Allele origin: germline. Not counted in ClinVar's aggregate classification.
Comment: This variant is classified as likely benign based on ACMG/AMP sequence variant interpretation guidelines (Richards et al. 2015 PMID: 25741868, with internal and published modifications).